The following is an entry in ClinVar:

NM_002397.5(MEF2C):c.19C>T (p.Gln7Ter)

Gene: MEF2C (myocyte enhancer factor 2C; minus strand). Cytogenetic location: 5q14.3.
Variant type: single nucleotide variant.
Coding change: c.19C>T on transcript NM_002397.5 (MANE Select); coding-DNA position 19, C replaced by T.
Protein change: p.Gln7Ter; replaces glutamine 7 with a stop codon.
Molecular consequence: nonsense.
Genome position (GRCh38, 1-based): chr5:88,823,770, G>A on the plus strand (C>T on the coding strand, the complement: MEF2C is on the minus strand). VCF-style: chr5-88823770-G-A. GRCh37 (hg19) VCF-style: chr5-88119587-G-A.
Other names: c.19C>T, p.Gln7Ter (NM_001131005.2, NM_001193347.1, NM_001193348.1 and 29 more transcripts); short protein forms Q7*.
Identifiers: ClinVar variation 2584472 (VCV002584472.1), dbSNP rs2532814429, ClinGen allele CA360425327.
Genomic context (GRCh38, chr5:88,823,770, plus strand): 5'-TACAAAAAAAGTTTACTCCACTCACCTGTCTGTTACGTTCATCCATAATCCTCGTAATCT[G>A]AATCTTTTTTCTCCCCATAGTCCCCGTTTTTCTTCTCTCTCTCGTCCCTGAAATTATGTA-3'

ClinVar aggregate classification (germline): Pathogenic (1 of 4 stars; one submission).

Conditions:
MEF2C Haploinsufficiency Syndrome.

Submission:

Rady Children's Institute for Genomic Medicine, Rady Children's Hospital San Diego
Classification: Pathogenic for MEF2C Haploinsufficiency Syndrome. Review status: criteria provided, single submitter. Criteria: ACMG Guidelines, 2015. Collection method: clinical testing. Allele origin: germline. Affected: yes.
Comment: This nonsense variant found in exon 3 of 12 is predicted to result in loss of normal protein function through either protein truncation or nonsense-mediated mRNA decay (NMD). This variant has been previously reported as a de novo heterozygous in a patient with MEF2C haploinsufficiency syndrome, however, the precise phenotype was not specified (PMID: 33726816). Loss-of-function variation in MEF2C is an established mechanism of disease (PMID: 28794905, 23389741, 34055696). The c.19C>T (p.Gln7Ter) variant is absent from the gnomAD population database and thus is presumed to be rare. Based on the available evidence, the c.19C>T (p.Gln7Ter) variant is classified as Pathogenic.